The following is an entry in ClinVar:

ClinVar aggregate classification (germline): Benign/Likely benign. Review status: criteria provided, multiple submitters, no conflicts (2 of 4 stars). 2 submissions from 2 submitters: Benign (1); Likely benign (1). Last evaluated 2025-03-18.

Conditions:
Juvenile polyposis syndrome (JPS). Identifiers: Orphanet 2929, MedGen C0345893, MONDO:0017380, OMIM 174900.
Juvenile polyposis/hereditary hemorrhagic telangiectasia syndrome (JPHT). Also called: Juvenile Polyposis Syndrome / Hereditary Hemorrhagic Telangiectasia (JPS/HHT); JP/HHT SYNDROME; JUVENILE POLYPOSIS WITH HEREDITARY HEMORRHAGIC TELANGIECTASIA; POLYPOSIS, GENERALIZED JUVENILE, WITH PULMONARY ARTERIOVENOUS MALFORMATION; TELANGIECTASIA, HEREDITARY HEMORRHAGIC, WITH JUVENILE POLYPOSIS COLI. Identifiers: Orphanet 2929, MedGen C1832942, MONDO:0008278, OMIM 175050.

Submissions (2):

Myriad Genetics, Inc.
Classification: Benign for Juvenile polyposis/hereditary hemorrhagic telangiectasia syndrome. Last evaluated: 2025-03-18. Review status: criteria provided, single submitter. Criteria: Myriad Autosomal Dominant, Autosomal Recessive and X-Linked Classification Criteria (2023). Collection method: clinical testing. Allele origin: unknown.
Comment: This variant is considered benign. This variant is a silent/synonymous amino acid change and it is not expected to impact splicing.

Labcorp Genetics (formerly Invitae), Labcorp
Classification: Likely benign for Juvenile polyposis syndrome. Last evaluated: 2024-11-12. Review status: criteria provided, single submitter. Criteria: Invitae Variant Classification Sherloc (09022015). Collection method: clinical testing. Allele origin: germline.

NM_005359.6(SMAD4):c.18T>C (p.Ile6=)

Gene: SMAD4 (SMAD family member 4; plus strand). Cytogenetic location: 18q21.2.
Variant type: single nucleotide variant.
Coding change: c.18T>C on transcript NM_005359.6 (MANE Select); coding-DNA position 18, T replaced by C.
Protein change: p.Ile6=; no amino-acid change (isoleucine 6 retained).
Molecular consequence: synonymous variant.
Genome position (GRCh38, 1-based): chr18:51,047,064, T>C. VCF-style: chr18-51047064-T-C. GRCh37 (hg19) VCF-style: chr18-48573434-T-C.
Identifiers: ClinVar variation 1605099 (VCV001605099.9), dbSNP rs2144400251, ClinGen allele CA503873374.